The following is an entry in ClinVar:

NM_020754.4(ARHGAP31):c.1024C>T (p.Arg342Ter)

Gene: ARHGAP31 (Rho GTPase activating protein 31; plus strand). Cytogenetic location: 3q13.33.
Variant type: single nucleotide variant.
Coding change: c.1024C>T on transcript NM_020754.4 (MANE Select); coding-DNA position 1024, C replaced by T.
Protein change: p.Arg342Ter; replaces arginine 342 with a stop codon.
Molecular consequence: nonsense.
Genome position (GRCh38, 1-based): chr3:119,399,216, C>T. VCF-style: chr3-119399216-C-T. GRCh37 (hg19) VCF-style: chr3-119118063-C-T.
Other names: short protein forms R342*.
Identifiers: ClinVar variation 1344991 (VCV001344991.2), dbSNP rs563761648, ClinGen allele CA354036073.

ClinVar aggregate classification (germline): Uncertain significance (1 of 4 stars; one submission).

Allele frequency attached by ClinVar (database versions not stated): gnomAD exomes below 0.00001.
gnomAD v4.1: 4 of 1,613,480 alleles (0.00025%); highest among the groups gnomAD compares: Middle Eastern, 0.016%; no homozygotes.

Submission:

GeneDx
Classification: Uncertain significance. Last evaluated: 2021-09-16. Review status: criteria provided, single submitter. Criteria: GeneDx Variant Classification Process June 2021. Collection method: clinical testing. Allele origin: germline. Affected: yes.
Comment: Not observed at significant frequency in large population cohorts (gnomAD); Nonsense variant predicted to result in protein truncation or nonsense-mediated decay in a gene for which loss-of-function is not a known mechanism of disease; Has not been previously published as pathogenic or benign to our knowledge